The following is an entry in ClinVar:

NM_001378609.3(OTOGL):c.169-7T>A

Gene: OTOGL (otogelin like; plus strand). Cytogenetic location: 12q21.31.
Variant type: single nucleotide variant.
Coding change: c.169-7T>A on transcript NM_001378609.3 (MANE Select); 7 bases into the intron before coding-DNA position 169, T replaced by A.
Molecular consequence: intron variant.
Genome position (GRCh38, 1-based): chr12:80,217,591, T>A. VCF-style: chr12-80217591-T-A. GRCh37 (hg19) VCF-style: chr12-80611371-T-A.
Other names: c.169-7T>A (NM_001368062.3, NM_001378610.3, NM_173591.7); c.142-7T>A (NM_173591.3).
Identifiers: ClinVar variation 1407514 (VCV001407514.7), dbSNP rs745520285, ClinGen allele CA6700082.

ClinVar aggregate classification (germline): Uncertain significance. Review status: criteria provided, single submitter (1 of 4 stars). 2 submissions from 2 submitters: Uncertain significance (1). 1 of the submissions does not count toward it. Last evaluated 2022-01-14.

Conditions:
OTOGL-related disorder. Also called: OTOGL-related condition.

Allele frequency attached by ClinVar (database versions not stated): gnomAD 0.00001; gnomAD exomes 0.00001 and 0.00003; TOPMed 0.00002; ExAC 0.00004.
gnomAD v4.1: 9 of 1,519,824 alleles (0.00059%); highest among the groups gnomAD compares: Admixed American, 0.017%; no homozygotes.

Submissions (2):

Labcorp Genetics (formerly Invitae), Labcorp
Classification: Uncertain significance. Last evaluated: 2022-01-14. Review status: criteria provided, single submitter. Criteria: Invitae Variant Classification Sherloc (09022015). Collection method: clinical testing. Allele origin: germline.
Comment: This sequence change falls in intron 3 of the OTOGL gene. It does not directly change the encoded amino acid sequence of the OTOGL protein. This variant is present in population databases (rs745520285, gnomAD 0.02%). This variant has not been reported in the literature in individuals affected with OTOGL-related conditions. Algorithms developed to predict the effect of sequence changes on RNA splicing suggest that this variant may disrupt the consensus splice site. In summary, the available evidence is currently insufficient to determine the role of this variant in disease. Therefore, it has been classified as a Variant of Uncertain Significance.

PreventionGenetics, part of Exact Sciences
Classification: Likely benign for OTOGL-related condition. Last evaluated: 2019-07-24. Review status: no assertion criteria provided. Collection method: clinical testing. Allele origin: germline. Not counted in ClinVar's aggregate classification.
Comment: This variant is classified as likely benign based on ACMG/AMP sequence variant interpretation guidelines (Richards et al. 2015 PMID: 25741868, with internal and published modifications).